The following is an entry in ClinVar:

ClinVar aggregate classification (germline): Pathogenic (0 of 4 stars; one submission).

Conditions:
Steinert myotonic dystrophy syndrome (DM1). Also called: STEINERT DISEASE; Myotonic dystrophy type 1; Dystrophia myotonica type 1; Steinert myotonic dystrophy; Steinert's disease. Identifiers: Orphanet 273, MedGen C3250443, MONDO:0008056, OMIM 160900.

Submission:

Institute of Molecular, Cell and Systems Biology, University of Glasgow
Classification: Pathogenic for Steinert myotonic dystrophy syndrome. Review status: no assertion criteria provided. Criteria: research. Collection method: research. Allele origin: germline. Inheritance: Autosomal dominant inheritance. Affected: yes. Observed: 1 heterozygote.
Comment: DMPK CTG repeat expansions greater than approximately 45-50 repeats are assumed to be pathogenic

This record is based on data published in PubMed 25052313, which reports only ClinVar accessions SCV000120188 and SCV000120189. The complete data set includes SCV000207445 - SCV000207579.

Literature cited by the submitters: PubMed 1346923; PubMed 1546326; PubMed 25052313.

NM_004409.5(DMPK):c.*224CTG[351]

Genes: DM1-AS (DM1 locus antisense RNA; plus strand), DMPK (DM1 protein kinase; minus strand), LOC107075317 (origin of replication in DMPK trinucleotide repeat region; plus strand), LOC109461477 (dystrophia myotonica protein kinase repeat instability region; plus strand). Cytogenetic location: 19q13.32.
Variant type: Microsatellite.
Coding change: c.*224CTG[351] on transcript NM_004409.5 (MANE Select); 351 copies in a row of the 3-base unit CTG starting at c.*224.
Molecular consequence: 3 prime UTR variant.
Genome position: GRCh38, VCF-style position (the base before the change): chr19:45,770,204. GRCh37 (hg19), VCF-style position (the base before the change): chr19:46,273,462.
Other names: DM1 CTG repeat expansion; c.*224CTG[351] (NM_001081560.3, NM_001288764.2, NM_001424165.1 and 1 more transcripts); c.*217CTG[351] (NM_001081562.3, NM_001288765.2, NM_001424162.1 and 2 more transcripts); c.*222_*224TGC[351] (NM_001081563.3); c.*369CTG[351] (NM_001288766.2, NM_001424164.1, NM_001424168.1).
Identifiers: ClinVar variation 187963 (VCV000187963.1), ClinGen allele CA915951771.